The following is an entry in ClinVar:

ClinVar aggregate classification (germline): Pathogenic (1 of 4 stars; one submission).

Conditions:
Ataxia-telangiectasia-like disorder (ATLD). Identifiers: MedGen C1858391, MONDO:0011457.

Submission:

Labcorp Genetics (formerly Invitae), Labcorp
Classification: Pathogenic for Ataxia-telangiectasia-like disorder. Last evaluated: 2025-09-27. Review status: criteria provided, single submitter. Criteria: Invitae Variant Classification Sherloc (09022015). Collection method: clinical testing. Allele origin: germline.
Comment: This sequence change creates a premature translational stop signal (p.Leu141Phefs*25) in the MRE11 gene. It is expected to result in an absent or disrupted protein product. Loss-of-function variants in MRE11 are known to be pathogenic (PMID: 23080121, 23912341). This variant is present in population databases (no rsID available, gnomAD 0.003%). This variant has not been reported in the literature in individuals affected with MRE11-related conditions. ClinVar contains an entry for this variant (Variation ID: 1681628). For these reasons, this variant has been classified as Pathogenic.

Literature cited by the submitters: PubMed 23080121; PubMed 23912341.

NM_005591.4(MRE11):c.422dup (p.Leu141fs)

Gene: MRE11 (MRE11 double strand break repair nuclease; minus strand). Cytogenetic location: 11q21.
Variant type: Duplication.
Coding change: c.422dup on transcript NM_005591.4 (MANE Select); coding-DNA position 422, one base duplicated (T; older notation c.422dupT).
Protein change: p.Leu141fs; shifts the reading frame from leucine 141.
Molecular consequence: frameshift variant.
Genome position (GRCh38, 1-based): chr11:94,478,857, A duplicated on the plus strand (T on the coding strand, the reverse complement: MRE11 is on the minus strand); the first of 2 consecutive A bases (chr11:94,478,857-94,478,858); duplicating either gives the same sequence. VCF-style (leftmost placement, unchanged base first): chr11-94478856-C-CA. GRCh37 (hg19) VCF-style: chr11-94212022-C-CA.
Other names: c.422dup, p.Leu141fs (NM_001330347.2, NM_005590.4); short protein forms L141fs.
Identifiers: ClinVar variation 1681628 (VCV001681628.6), dbSNP rs1565233979, ClinGen allele CA600841958.